The following is an entry in ClinVar:

NM_020894.4(UVSSA):c.696G>A (p.Ala232=)

Gene: UVSSA (UV stimulated scaffold protein A; plus strand). Cytogenetic location: 4p16.3.
Variant type: single nucleotide variant.
Coding change: c.696G>A on transcript NM_020894.4 (MANE Select); coding-DNA position 696, G replaced by A.
Protein change: p.Ala232=; no amino-acid change (alanine 232 retained).
Molecular consequence: synonymous variant.
Genome position (GRCh38, 1-based): chr4:1,353,175, G>A. VCF-style: chr4-1353175-G-A. GRCh37 (hg19) VCF-style: chr4-1346963-G-A.
Other names: NC_000004.11:g.1346963G>A; c.696G>A, p.Ala232= (NM_001317934.2, NM_001317935.2).
Identifiers: ClinVar variation 2654561 (VCV002654561.25), dbSNP rs146853550, ClinGen allele CA2805737.
Genomic context (GRCh38, chr4:1,353,175, plus strand): 5'-GGAGACGGAATCCCTTGGCATGGCTTCTGGCATGTCCGATGCCCTTCGCTCCTCCTGCGC[G>A]GGCCAGGTGGGCCCCTGCCGGTCTGGCACCCCTGACCCCCGGGACGGGGAGCAGCCCTGC-3'
Protein context (NP_065945.2, residues 222-242): GMSDALRSSC[Ala232=]GQVGPCRSGT

ClinVar aggregate classification (germline): Likely benign (1 of 4 stars; one submission).

Allele frequency attached by ClinVar (database versions not stated): gnomAD 0.00079; ESP Exome Variant Server 0.00100.
gnomAD v4.1: 1,488 of 1,612,724 alleles (0.092%); highest among the groups gnomAD compares: Middle Eastern, 0.2%; no homozygotes.

Submissions (2):

CeGaT Center for Human Genetics Tuebingen
Classification: Likely benign. Last evaluated: 2022-08-01. Review status: criteria provided, single submitter. Criteria: CeGaT Center For Human Genetics Tuebingen Variant Classification Criteria Version 2. Collection method: clinical testing. Allele origin: germline. Affected: yes. Observed: 1 variant allele.
Comment: UVSSA: BP4, BP7

Dr. Peter K. Rogan Lab, Western University
No classification provided (evidence only). Condition: Cholangiocarcinoma. Review status: no classification provided. Collection method: in vitro. Allele origin: not applicable. Functional consequence: retained intron. Not counted in ClinVar's aggregate classification.